The following is an entry in ClinVar:

ClinVar aggregate classification (germline): Uncertain significance (1 of 4 stars; one submission).

Submission:

GeneDx
Classification: Uncertain significance. Last evaluated: 2024-07-23. Review status: criteria provided, single submitter. Criteria: GeneDx Variant Classification Process June 2021. Collection method: clinical testing. Allele origin: germline. Affected: yes.
Comment: Not observed at significant frequency in large population cohorts (gnomAD); Missense variant in a gene in which most reported pathogenic variants are truncating/loss of function; Has not been previously published as pathogenic or benign to our knowledge

NM_001267550.2(TTN):c.40922T>G (p.Ile13641Ser)

Gene: TTN (titin; minus strand). Cytogenetic location: 2q31.2.
Variant type: single nucleotide variant.
Coding change: c.40922T>G on transcript NM_001267550.2 (MANE Select); coding-DNA position 40922, T replaced by G.
Protein change: p.Ile13641Ser; replaces isoleucine 13641 with serine.
Molecular consequence: missense variant.
Genome position (GRCh38, 1-based): chr2:178,637,374, A>C on the plus strand (T>G on the coding strand, the complement: TTN is on the minus strand). VCF-style: chr2-178637374-A-C. GRCh37 (hg19) VCF-style: chr2-179502101-A-C.
Other names: c.35999T>G, p.Ile12000Ser (NM_001256850.1); c.13727T>G, p.Ile4576Ser (NM_003319.4); c.33218T>G, p.Ile11073Ser (NM_133378.4); c.14102T>G, p.Ile4701Ser (NM_133432.3); c.14303T>G, p.Ile4768Ser (NM_133437.4); short protein forms I11073S, I12000S, I13641S, I4576S, I4701S, I4768S.
Identifiers: ClinVar variation 3600904 (VCV003600904.1).